The following is an entry in ClinVar:

NM_015102.5(NPHP4):c.3810G>C (p.Glu1270Asp)

Gene: NPHP4 (nephrocystin 4; minus strand). Cytogenetic location: 1p36.31.
Variant type: single nucleotide variant.
Coding change: c.3810G>C on transcript NM_015102.5 (MANE Select); coding-DNA position 3810, G replaced by C.
Protein change: p.Glu1270Asp; replaces glutamic acid 1270 with aspartic acid.
Molecular consequence: missense variant. On other transcripts: non-coding transcript variant (1).
Genome position (GRCh38, 1-based): chr1:5,865,108, C>G on the plus strand (G>C on the coding strand, the complement: NPHP4 is on the minus strand). VCF-style: chr1-5865108-C-G. GRCh37 (hg19) VCF-style: chr1-5925168-C-G.
Other names: c.2271G>C, p.Glu757Asp (NM_001291593.2); c.2274G>C, p.Glu758Asp (NM_001291594.2); short protein forms E1270D, E758D, E757D.
Identifiers: ClinVar variation 594317 (VCV000594317.9), dbSNP rs1344500018, ClinGen allele CA338049939.

ClinVar aggregate classification (germline): Uncertain significance. Review status: criteria provided, multiple submitters, no conflicts (2 of 4 stars). 2 submissions from 2 submitters: Uncertain significance (2). Last evaluated 2022-02-19.

Conditions:
Nephronophthisis. Also called: Juvenile Nephronophthisis. Identifiers: Orphanet 655, MedGen C0687120, MONDO:0019005, HP:0000090.

Allele frequency attached by ClinVar (database versions not stated): TOPMed 0.00001.

Submissions (2):

Labcorp Genetics (formerly Invitae), Labcorp
Classification: Uncertain significance for Nephronophthisis. Last evaluated: 2022-02-19. Review status: criteria provided, single submitter. Criteria: Invitae Variant Classification Sherloc (09022015). Collection method: clinical testing. Allele origin: germline.
Comment: This sequence change replaces glutamic acid, which is acidic and polar, with aspartic acid, which is acidic and polar, at codon 1270 of the NPHP4 protein (p.Glu1270Asp). This variant is not present in population databases (gnomAD no frequency). This variant has not been reported in the literature in individuals affected with NPHP4-related conditions. ClinVar contains an entry for this variant (Variation ID: 594317). Algorithms developed to predict the effect of missense changes on protein structure and function are either unavailable or do not agree on the potential impact of this missense change (SIFT: "Tolerated"; PolyPhen-2: "Probably Damaging"; Align-GVGD: "Class C0"). In summary, the available evidence is currently insufficient to determine the role of this variant in disease. Therefore, it has been classified as a Variant of Uncertain Significance.

Eurofins Ntd Llc (ga)
Classification: Uncertain significance. Last evaluated: 2017-10-02. Review status: criteria provided, single submitter. Criteria: EGL Classification Definitions 2015. Collection method: clinical testing. Allele origin: germline. Observed: 1 variant allele, 1 heterozygote.